The following is an entry in ClinVar:

NM_021167.5(GATAD1):c.631G>A (p.Asp211Asn)

Gene: GATAD1 (GATA zinc finger domain containing 1; plus strand). Cytogenetic location: 7q21.2.
Variant type: single nucleotide variant.
Coding change: c.631G>A on transcript NM_021167.5 (MANE Select); coding-DNA position 631, G replaced by A.
Protein change: p.Asp211Asn; replaces aspartic acid 211 with asparagine.
Molecular consequence: missense variant. On other transcripts: non-coding transcript variant (1).
Genome position (GRCh38, 1-based): chr7:92,456,383, G>A. VCF-style: chr7-92456383-G-A. GRCh37 (hg19) VCF-style: chr7-92085697-G-A.
Other names: short protein forms D211N.
Identifiers: ClinVar variation 4614243 (VCV004614243.1).
Genomic context (GRCh38, chr7:92,456,383, plus strand): 5'-ATATATATGGTCAAAAATGTATTTAACCTTTCCCTTGGCTGCCTTCCAGGGCCAGAGGAA[G>A]ATCTTCCAAGGAAGATGGAATACTTGGAATTTGTTTGTCATGCACCTTCTGAGTATTTCA-3'
Protein context (NP_066990.3, residues 201-221): PASYIIGPEE[Asp211Asn]LPRKMEYLEF

ClinVar aggregate classification (germline): Uncertain significance (1 of 4 stars; one submission).

Conditions:
Cardiovascular phenotype. Identifiers: MedGen CN230736.

gnomAD v4.1: 1 of 1,605,894 alleles (0.000062%); highest among the groups gnomAD compares: African/African-American, 0.0013%; no homozygotes.

Submission:

Ambry Genetics
Classification: Uncertain significance for Cardiovascular phenotype. Last evaluated: 2025-12-07. Review status: criteria provided, single submitter. Criteria: Ambry Variant Classification Scheme 2023. Collection method: clinical testing. Allele origin: germline.
Comment: The p.D211N variant (also known as c.631G>A), located in coding exon 5 of the GATAD1 gene, results from a G to A substitution at nucleotide position 631. The aspartic acid at codon 211 is replaced by asparagine, an amino acid with highly similar properties. This amino acid position is conserved. In addition, the in silico prediction for this alteration is inconclusive. Based on the available evidence, the clinical significance of this variant remains unclear.